The following is an entry in ClinVar:

ClinVar aggregate classification (germline): Uncertain significance (1 of 4 stars; one submission).

Conditions:
Pure or complex autosomal recessive spastic paraplegia. Identifiers: Orphanet 320346, MedGen C5679887, MONDO:0017915.

Allele frequency attached by ClinVar (database versions not stated): gnomAD exomes 0.00001; TOPMed 0.00002; gnomAD 0.00003.
gnomAD v4.1: 12 of 1,613,420 alleles (0.00074%); highest among the groups gnomAD compares: African/African-American, 0.0093%; no homozygotes.

Submission:

Labcorp Genetics (formerly Invitae), Labcorp
Classification: Uncertain significance for Pure or complex autosomal recessive spastic paraplegia. Last evaluated: 2023-05-26. Review status: criteria provided, single submitter. Criteria: Invitae Variant Classification Sherloc (09022015). Collection method: clinical testing. Allele origin: germline.
Comment: In summary, the available evidence is currently insufficient to determine the role of this variant in disease. Therefore, it has been classified as a Variant of Uncertain Significance. Experimental studies and prediction algorithms are not available or were not evaluated, and the functional significance of this variant is currently unknown. This variant has not been reported in the literature in individuals affected with ZFR-related conditions. This variant is present in population databases (no rsID available, gnomAD 0.01%). This sequence change replaces isoleucine, which is neutral and non-polar, with valine, which is neutral and non-polar, at codon 865 of the ZFR protein (p.Ile865Val).

NM_016107.5(ZFR):c.2593A>G (p.Ile865Val)

Gene: ZFR (zinc finger RNA binding protein; minus strand). Cytogenetic location: 5p13.3.
Variant type: single nucleotide variant.
Coding change: c.2593A>G on transcript NM_016107.5 (MANE Select); coding-DNA position 2593, A replaced by G.
Protein change: p.Ile865Val; replaces isoleucine 865 with valine.
Molecular consequence: missense variant. On other transcripts: non-coding transcript variant (1).
Genome position (GRCh38, 1-based): chr5:32,385,556, T>C on the plus strand (A>G on the coding strand, the complement: ZFR is on the minus strand). VCF-style: chr5-32385556-T-C. GRCh37 (hg19) VCF-style: chr5-32385662-T-C.
Other names: short protein forms I865V.
Identifiers: ClinVar variation 2713311 (VCV002713311.3), dbSNP rs1423658954, ClinGen allele CA359352409.